The following is an entry in ClinVar:

ClinVar aggregate classification (germline): Uncertain significance (1 of 4 stars; one submission).

gnomAD v4.1: 1 of 1,608,602 alleles (0.000062%); highest among the groups gnomAD compares: Non-Finnish European, 0.000085%; no homozygotes.

Submission:

Ambry Genetics
Classification: Uncertain significance. Last evaluated: 2026-04-05. Review status: criteria provided, single submitter. Criteria: Ambry Variant Classification Scheme 2023. Collection method: clinical testing. Allele origin: germline.
Comment: The p.E471K variant (also known as c.1411G>A), located in coding exon 2 of the CDK12 gene, results from a G to A substitution at nucleotide position 1411. The glutamic acid at codon 471 is replaced by lysine, an amino acid with similar properties. This amino acid position is conserved. In addition, the in silico prediction for this alteration is inconclusive. Based on the available evidence, the clinical significance of this variant remains unclear.

NM_016507.4(CDK12):c.1411G>A (p.Glu471Lys)

Gene: CDK12 (cyclin dependent kinase 12; plus strand). Cytogenetic location: 17q12.
Variant type: single nucleotide variant.
Coding change: c.1411G>A on transcript NM_016507.4 (MANE Select); coding-DNA position 1411, G replaced by A.
Protein change: p.Glu471Lys; replaces glutamic acid 471 with lysine.
Molecular consequence: missense variant.
Genome position (GRCh38, 1-based): chr17:39,471,243, G>A. VCF-style: chr17-39471243-G-A. GRCh37 (hg19) VCF-style: chr17-37627496-G-A.
Other names: c.1411G>A, p.Glu471Lys (NM_015083.4); short protein forms E471K.
Identifiers: ClinVar variation 4868473 (VCV004868473.1).